The following is an entry in ClinVar:

ClinVar aggregate classification (germline): Uncertain significance (1 of 4 stars; one submission).

Conditions:
RYR1-related disorder. Also called: RYR1-related condition; RYR1-related disorders. Identifiers: MedGen CN239331.

Submission:

Labcorp Genetics (formerly Invitae), Labcorp
Classification: Uncertain significance for RYR1-related disorder. Last evaluated: 2026-01-02. Review status: criteria provided, single submitter. Criteria: Invitae Variant Classification Sherloc (09022015). Collection method: clinical testing. Allele origin: germline.
Comment: This sequence change replaces proline, which is neutral and non-polar, with leucine, which is neutral and non-polar, at codon 1773 of the RYR1 protein (p.Pro1773Leu). This variant is not present in population databases (gnomAD no frequency). This variant has not been reported in the literature in individuals affected with RYR1-related conditions. Invitae Evidence Modeling of protein sequence and biophysical properties (such as structural, functional, and spatial information, amino acid conservation, physicochemical variation, residue mobility, and thermodynamic stability) indicates that this missense variant is expected to disrupt RYR1 protein function with a positive predictive value of 80%. In summary, the available evidence is currently insufficient to determine the role of this variant in disease. Therefore, it has been classified as a Variant of Uncertain Significance.

NM_000540.3(RYR1):c.5318C>T (p.Pro1773Leu)

Gene: RYR1 (ryanodine receptor 1; plus strand). Cytogenetic location: 19q13.2.
Variant type: single nucleotide variant.
Coding change: c.5318C>T on transcript NM_000540.3 (MANE Select); coding-DNA position 5318, C replaced by T.
Protein change: p.Pro1773Leu; replaces proline 1773 with leucine.
Molecular consequence: missense variant.
Genome position (GRCh38, 1-based): chr19:38,485,973, C>T. VCF-style: chr19-38485973-C-T. GRCh37 (hg19) VCF-style: chr19-38976613-C-T.
Other names: c.5318C>T, p.Pro1773Leu (NM_001042723.2); short protein forms P1773L.
Identifiers: ClinVar variation 4719818 (VCV004719818.1).